The following is an entry in ClinVar:

ClinVar aggregate classification (germline): Benign/Likely benign. Review status: criteria provided, multiple submitters, no conflicts (2 of 4 stars). 3 submissions from 3 submitters: Benign (1); Likely benign (2). Last evaluated 2026-08-19.

Conditions:
DICER1-related tumor predisposition. Also called: DICER1 syndrome; DICER1-related pleuropulmonary blastoma cancer predisposition syndrome. Identifiers: Orphanet 284343, MedGen C3839822, MONDO:0100216.
Hereditary cancer-predisposing syndrome. Also called: Tumor predisposition; Neoplastic Syndromes, Hereditary; Hereditary Cancer Syndrome; Hereditary neoplastic syndrome. Identifiers: Orphanet 140162, MedGen C0027672, MeSH D009386, MONDO:0015356.

Submissions (3):

Myriad Genetics, Inc.
Classification: Benign for DICER1-related tumor predisposition. Last evaluated: 2026-08-19. Review status: criteria provided, single submitter. Criteria: Myriad Autosomal Dominant, Autosomal Recessive and X-Linked Classification Criteria (2023). Collection method: clinical testing. Allele origin: unknown.
Comment: This variant is considered benign. This variant is a silent/synonymous amino acid change and it is not expected to impact splicing.

Labcorp Genetics (formerly Invitae), Labcorp
Classification: Likely benign for DICER1-related tumor predisposition. Last evaluated: 2025-03-01. Review status: criteria provided, single submitter. Criteria: Invitae Variant Classification Sherloc (09022015). Collection method: clinical testing. Allele origin: germline.

Ambry Genetics
Classification: Likely benign for Hereditary cancer-predisposing syndrome. Last evaluated: 2017-03-23. Review status: criteria provided, single submitter. Criteria: Ambry Variant Classification Scheme 2023. Collection method: clinical testing. Allele origin: germline.

NM_177438.3(DICER1):c.2961_2962delinsTT (p.Leu987_Leu988=)

Gene: DICER1 (dicer 1, ribonuclease III; minus strand). Cytogenetic location: 14q32.13.
Variant type: Indel.
Coding change: c.2961_2962delinsTT on transcript NM_177438.3 (MANE Select); coding-DNA positions 2961 to 2962, GC replaced by TT.
Protein change: p.Leu987_Leu988=.
Molecular consequence: synonymous variant. On other transcripts: non-coding transcript variant (6).
Genome position (GRCh38, 1-based): chr14:95,106,066-95,106,067, GC replaced by AA on the plus strand (GC replaced by TT on the coding strand, the reverse complement: DICER1 is on the minus strand). VCF-style: chr14-95106066-GC-AA. GRCh37 (hg19) VCF-style: chr14-95572403-GC-AA.
Other names: c.2961_2962delinsTT, p.Leu987_Leu988= (NM_030621.4, NM_001195573.1, NM_001271282.3 and 12 more transcripts); c.2961_2962delGCinsTT, p.Leu987_Leu988= (NM_001395681.1); c.2679_2680delinsTT, p.Leu893_Leu894= (NM_001395686.1); c.2556_2557delinsTT, p.Leu852_Leu853= (NM_001395687.1, NM_001395688.1, NM_001395689.1 and 2 more transcripts); c.2394_2395delinsTT, p.Leu798_Leu799= (NM_001395691.1); c.1278_1279delinsTT, p.Leu426_Leu427= (NM_001395697.1).
Identifiers: ClinVar variation 479641 (VCV000479641.16), dbSNP rs1555370264, ClinGen allele CA658656431.